The following is an entry in ClinVar:

NM_033305.3(VPS13A):c.5265C>T (p.Gly1755=)

Gene: VPS13A (vacuolar protein sorting 13 homolog A; plus strand). Cytogenetic location: 9q21.2.
Variant type: single nucleotide variant.
Coding change: c.5265C>T on transcript NM_033305.3 (MANE Select); coding-DNA position 5265, C replaced by T.
Protein change: p.Gly1755=; no amino-acid change (glycine 1755 retained).
Molecular consequence: synonymous variant.
Genome position (GRCh38, 1-based): chr9:77,318,543, C>T. VCF-style: chr9-77318543-C-T. GRCh37 (hg19) VCF-style: chr9-79933459-C-T.
Other names: c.5148C>T, p.Gly1716= (NM_001018037.2); c.5265C>T, p.Gly1755= (NM_001018038.3, NM_015186.4).
Identifiers: ClinVar variation 452508 (VCV000452508.18), dbSNP rs143021112, ClinGen allele CA5092713.

ClinVar aggregate classification (germline): Conflicting classifications of pathogenicity. Review status: criteria provided, conflicting classifications (1 of 4 stars). 4 submissions from 4 submitters: Uncertain significance (2); Benign (1). 1 of the submissions does not count toward it. Last evaluated 2026-01-28.

Conditions:
VPS13A-related neurodegenerative disease. Also called: LEVINE-CRITCHLEY SYNDROME; Choreoacanthocytosis; VPS13A Disease; Chorea-acanthocytosis; ACANTHOCYTOSIS WITH NEUROLOGIC DISORDER; Choreaacanthocytosis. Identifiers: Orphanet 2388, MedGen C0393576, MONDO:0008695, OMIM 200150.

Allele frequency attached by ClinVar (database versions not stated): gnomAD exomes 0.00006 and 0.00026; ExAC 0.00027; ESP Exome Variant Server 0.00085; gnomAD 0.00092 and 0.00096; TOPMed 0.00096; 1000 Genomes Project 0.00120; 1000 Genomes Project 30x 0.00125.
gnomAD v4.1: 238 of 1,613,702 alleles (0.015%); highest among the groups gnomAD compares: African/African-American, 0.28%; no homozygotes.

Submissions (4):

Labcorp Genetics (formerly Invitae), Labcorp
Classification: Benign. Last evaluated: 2026-01-28. Review status: criteria provided, single submitter. Criteria: Invitae Variant Classification Sherloc (09022015). Collection method: clinical testing. Allele origin: germline.

GeneDx
Classification: Uncertain significance. Last evaluated: 2024-03-08. Review status: criteria provided, single submitter. Criteria: GeneDx Variant Classification Process June 2021. Collection method: clinical testing. Allele origin: germline. Affected: yes.
Comment: In silico analysis supports a deleterious effect on splicing; Has not been previously published as pathogenic or benign to our knowledge

Illumina Laboratory Services, Illumina
Classification: Uncertain significance for VPS13A-related neurodegenerative disease. Last evaluated: 2018-01-13. Review status: criteria provided, single submitter. Criteria: ICSL Variant Classification Criteria 13 December 2019. Collection method: clinical testing. Allele origin: germline.

Natera, Inc.
Classification: Uncertain significance for Choreaacanthocytosis. Last evaluated: 2019-11-11. Review status: no assertion criteria provided. Collection method: clinical testing. Allele origin: germline. Not counted in ClinVar's aggregate classification.